The following is an entry in ClinVar:

NM_002340.6(LSS):c.15-5C>G

Gene: LSS (lanosterol synthase; minus strand). Cytogenetic location: 21q22.3.
Variant type: single nucleotide variant.
Coding change: c.15-5C>G on transcript NM_002340.6 (MANE Select); 5 bases into the intron before coding-DNA position 15, C replaced by G.
Molecular consequence: intron variant. On other transcripts: 5 prime UTR variant (1).
Genome position (GRCh38, 1-based): chr21:46,228,604, G>C on the plus strand (C>G on the coding strand, the complement: LSS is on the minus strand). VCF-style: chr21-46228604-G-C. GRCh37 (hg19) VCF-style: chr21-47648518-G-C.
Other names: c.-231C>G (NM_001145437.2); c.15-5C>G (NM_001145436.2, NM_001001438.3).
Identifiers: ClinVar variation 2283351 (VCV002283351.2), dbSNP rs755959872, ClinGen allele CA10075622.
Genomic context (GRCh38, chr21:46,228,604, plus strand): 5'-GGCCGAGGTCGGTGGCGGGCTCGGTCTTGTAGGGGCCCCCTCGGCGCCGCAGACACCTGA[G>C]GACCACCGGCCATCAGCGACCCAGGCCCCGCCCCAACGCCGGCCGCCGGCCCACTGCCCC-3'

ClinVar aggregate classification (germline): Uncertain significance (1 of 4 stars; one submission).

Conditions:
Inborn genetic diseases. Identifiers: MedGen C0950123, MeSH D030342.

Allele frequency attached by ClinVar (database versions not stated): ExAC 0.00001; gnomAD 0.00004; TOPMed 0.00005.
gnomAD v4.1: 12 of 1,592,148 alleles (0.00075%); highest among the groups gnomAD compares: African/African-American, 0.013%; no homozygotes.

Submission:

Ambry Genetics
Classification: Uncertain significance for Inborn genetic diseases. Last evaluated: 2022-05-09. Review status: criteria provided, single submitter. Criteria: Ambry Variant Classification Scheme 2023. Collection method: clinical testing. Allele origin: germline.
Comment: The c.15-5C>G intronic alteration consists of a C to G substitution 5 nucleotides before coding exon 2 in the LSS gene. Based on insufficient or conflicting evidence, the clinical significance of this alteration remains unclear.